The following is an entry in ClinVar:

ClinVar aggregate classification (germline): Uncertain significance (1 of 4 stars; one submission).

Conditions:
Dyskeratosis congenita, autosomal recessive 5 (DKCB5). Identifiers: MedGen C3554656, MONDO:0014076, OMIM 615190.
Pulmonary fibrosis and/or bone marrow failure, Telomere-related, 3. Also called: PULMONARY FIBROSIS AND/OR BONE MARROW FAILURE SYNDROME, TELOMERE-RELATED, 3. Identifiers: Orphanet 2032, MedGen C4225346, MONDO:0014613, OMIM 616373.

gnomAD v4.1: 1 of 1,611,726 alleles (0.000062%); no homozygotes.

Submission:

Labcorp Genetics (formerly Invitae), Labcorp
Classification: Uncertain significance for Dyskeratosis congenita, autosomal recessive 5; Pulmonary fibrosis and/or bone marrow failure, Telomere-related, 3. Last evaluated: 2025-11-03. Review status: criteria provided, single submitter. Criteria: Invitae Variant Classification Sherloc (09022015). Collection method: clinical testing. Allele origin: germline.
Comment: This sequence change replaces glycine, which is neutral and non-polar, with arginine, which is basic and polar, at codon 1227 of the RTEL1 protein (p.Gly1227Arg). This variant is not present in population databases (gnomAD no frequency). This variant has not been reported in the literature in individuals affected with RTEL1-related conditions. An algorithm developed to predict the effect of missense changes on protein structure and function (PolyPhen-2) suggests that this variant is likely to be tolerated. In summary, the available evidence is currently insufficient to determine the role of this variant in disease. Therefore, it has been classified as a Variant of Uncertain Significance.

NM_001283009.2(RTEL1):c.3679G>A (p.Gly1227Arg)

Genes: RTEL1 (regulator of telomere elongation helicase 1; plus strand), RTEL1-TNFRSF6B (RTEL1-TNFRSF6B readthrough (NMD candidate); plus strand). Cytogenetic location: 20q13.33.
Variant type: single nucleotide variant.
Coding change: c.3679G>A on transcript NM_001283009.2 (MANE Select); coding-DNA position 3679, G replaced by A.
Protein change: p.Gly1227Arg; replaces glycine 1227 with arginine.
Molecular consequence: missense variant. On other transcripts: non-coding transcript variant (1), intron variant (3).
Genome position (GRCh38, 1-based): chr20:63,695,507, G>A. VCF-style: chr20-63695507-G-A. GRCh37 (hg19) VCF-style: chr20-62326860-G-A.
Other names: c.2983+27G>A (NM_001283010.1); c.3724+27G>A (NM_032957.5); c.3652+27G>A (NM_016434.4); short protein forms G1227R.
Identifiers: ClinVar variation 4791548 (VCV004791548.1).